The following is an entry in ClinVar:

ClinVar aggregate classification (germline): Likely pathogenic (1 of 4 stars; one submission).

Conditions:
Mucopolysaccharidosis, MPS-IV-A (MPS4A). Also called: Morquio syndrome A, mild; MORQUIO SYNDROME A; GALACTOSAMINE-6-SULFATASE DEFICIENCY; GALNS DEFICIENCY; MORQUIO A DISEASE; Mucopolysaccharidosis type IV A. Identifiers: Orphanet 309297, Orphanet 582, MedGen C0086651, MONDO:0009659, OMIM 253000.

gnomAD v4.1: 2 of 1,612,784 alleles (0.00012%); highest among the groups gnomAD compares: Non-Finnish European, 0.000085%; no homozygotes.

Submission:

Labcorp Genetics (formerly Invitae), Labcorp
Classification: Likely pathogenic for Mucopolysaccharidosis, MPS-IV-A. Last evaluated: 2025-05-28. Review status: criteria provided, single submitter. Criteria: Invitae Variant Classification Sherloc (09022015). Collection method: clinical testing. Allele origin: germline.
Comment: This sequence change replaces proline, which is neutral and non-polar, with leucine, which is neutral and non-polar, at codon 420 of the GALNS protein (p.Pro420Leu). This variant is present in population databases (rs752937387, gnomAD 0.004%). This variant has not been reported in the literature in individuals affected with GALNS-related conditions. Invitae Evidence Modeling of protein sequence and biophysical properties (such as structural, functional, and spatial information, amino acid conservation, physicochemical variation, residue mobility, and thermodynamic stability) indicates that this missense variant is expected to disrupt GALNS protein function with a positive predictive value of 95%. This variant disrupts the p.Pro420 amino acid residue in GALNS. Other variant(s) that disrupt this residue have been determined to be pathogenic (PMID: 24726177, 34387910). This suggests that this residue is clinically significant, and that variants that disrupt this residue are likely to be disease-causing. In summary, the currently available evidence indicates that the variant is pathogenic, but additional data are needed to prove that conclusively. Therefore, this variant has been classified as Likely Pathogenic.

Literature cited by the submitters: PubMed 24726177; PubMed 34387910.

NM_000512.5(GALNS):c.1259C>T (p.Pro420Leu)

Gene: GALNS (galactosamine (N-acetyl)-6-sulfatase; minus strand). Cytogenetic location: 16q24.3.
Variant type: single nucleotide variant.
Coding change: c.1259C>T on transcript NM_000512.5 (MANE Select); coding-DNA position 1259, C replaced by T.
Protein change: p.Pro420Leu; replaces proline 420 with leucine.
Molecular consequence: missense variant.
Genome position (GRCh38, 1-based): chr16:88,822,694, G>A on the plus strand (C>T on the coding strand, the complement: GALNS is on the minus strand). VCF-style: chr16-88822694-G-A. GRCh37 (hg19) VCF-style: chr16-88889102-G-A.
Other names: c.704C>T, p.Pro235Leu (NM_001323543.2); c.1277C>T, p.Pro426Leu (NM_001323544.2); short protein forms P420L, P235L, P426L.
Identifiers: ClinVar variation 4771086 (VCV004771086.1).